The following is an entry in ClinVar:

NM_152383.5(DIS3L2):c.1125-3T>C

Gene: DIS3L2 (DIS3 like 3'-5' exoribonuclease 2; plus strand). Cytogenetic location: 2q37.1.
Variant type: single nucleotide variant.
Coding change: c.1125-3T>C on transcript NM_152383.5 (MANE Select); 3 bases into the intron before coding-DNA position 1125, T replaced by C.
Molecular consequence: intron variant.
Genome position (GRCh38, 1-based): chr2:232,210,323, T>C. VCF-style: chr2-232210323-T-C. GRCh37 (hg19) VCF-style: chr2-233075033-T-C.
Other names: c.1125-3T>C (NM_001257281.2).
Identifiers: ClinVar variation 2784554 (VCV002784554.3), dbSNP rs2469982213, ClinGen allele CA2739278596.

ClinVar aggregate classification (germline): Uncertain significance (1 of 4 stars; one submission).

Conditions:
Perlman syndrome (PRLMNS). Identifiers: Orphanet 2849, MedGen C0796113, MONDO:0009965, OMIM 267000.

Submission:

Labcorp Genetics (formerly Invitae), Labcorp
Classification: Uncertain significance for Perlman syndrome. Last evaluated: 2023-05-15. Review status: criteria provided, single submitter. Criteria: Invitae Variant Classification Sherloc (09022015). Collection method: clinical testing. Allele origin: germline.
Comment: In summary, the available evidence is currently insufficient to determine the role of this variant in disease. Therefore, it has been classified as a Variant of Uncertain Significance. This variant has not been reported in the literature in individuals affected with DIS3L2-related conditions. This variant is not present in population databases (gnomAD no frequency). This sequence change falls in intron 9 of the DIS3L2 gene. It does not directly change the encoded amino acid sequence of the DIS3L2 protein. It affects a nucleotide within the consensus splice site. Variants that disrupt the consensus splice site are a relatively common cause of aberrant splicing (PMID: 17576681, 9536098). Algorithms developed to predict the effect of sequence changes on RNA splicing suggest that this variant is not likely to affect RNA splicing.

Literature cited by the submitters: PubMed 17576681; PubMed 9536098.